The following is an entry in ClinVar:

ClinVar aggregate classification (germline): Uncertain significance (1 of 4 stars; one submission).

Conditions:
Cardiomyopathy (CMYO). Also called: Cardiomyopathies. Identifiers: Orphanet 167848, MedGen C0878544, MONDO:0004994, HP:0001638. Inheritance: Various modes of inheritance.

Submission:

Color Diagnostics, LLC DBA Color Health
Classification: Uncertain significance for Cardiomyopathy. Last evaluated: 2022-06-29. Review status: criteria provided, single submitter. Criteria: ACMG Guidelines, 2015. Collection method: clinical testing. Allele origin: germline.
Comment: This variant inserts 1 nucleotide in exon 2 of the DSG2 gene, creating a frameshift and premature translation stop signal. This variant is expected to result in an absent or non-functional protein product. To our knowledge, this variant has not been reported in individuals affected with cardiovascular disorders in the literature. This variant has not been identified in the general population by the Genome Aggregation Database (gnomAD). Although there is a suspicion for a pathogenic role, clinical relevance of loss-of-function DSG2 truncation and splice variants in autosomal dominant arrhythmogenic cardiomyopathy is not yet clearly established. The available evidence is insufficient to determine the role of this variant in autosomal dominant arrhythmogenic cardiomyopathy conclusively. Therefore, this variant is classified as a Variant of Uncertain Significance.

NM_001943.5(DSG2):c.78dup (p.Gln27fs)

Gene: DSG2 (desmoglein 2; plus strand). Cytogenetic location: 18q12.1.
Variant type: Duplication.
Coding change: c.78dup on transcript NM_001943.5 (MANE Select); coding-DNA position 78, one base duplicated (A; older notation c.78dupA).
Protein change: p.Gln27fs; shifts the reading frame from glutamine 27.
Molecular consequence: frameshift variant.
Genome position (GRCh38, 1-based): chr18:31,518,271, A duplicated. VCF-style (leftmost placement, unchanged base first): chr18-31518270-T-TA. GRCh37 (hg19) VCF-style: chr18-29098233-T-TA.
Other names: short protein forms Q27fs.
Identifiers: ClinVar variation 2775203 (VCV002775203.2), dbSNP rs2510909558, ClinGen allele CA2697555380.
Genomic context (GRCh38, chr18:31,518,270, plus strand): 5'-GCTAAATATCAAATAATTTTATTTTACAGATCTGCTTTAACGTTGGAAGTGGACTTCACT[T>TA]ACAGGTGAGGAAACAAAGGGATTATTTCTGCCTTCTGACTCAGGAGGGTTAATTCCATGG-3'